The following is an entry in ClinVar:

ClinVar aggregate classification (germline): Benign/Likely benign. Review status: criteria provided, multiple submitters, no conflicts (2 of 4 stars). 3 submissions from 3 submitters: Benign (1); Likely benign (2). Last evaluated 2026-07-15.

Conditions:
Rhabdoid tumor predisposition syndrome 2 (RTPS2). Identifiers: Orphanet 231108, Orphanet 69077, MedGen C2750074, MONDO:0013224, OMIM 613325.
Hereditary cancer-predisposing syndrome. Also called: Hereditary Cancer Syndrome; Hereditary neoplastic syndrome; Neoplastic Syndromes, Hereditary; Tumor predisposition. Identifiers: Orphanet 140162, MedGen C0027672, MeSH D009386, MONDO:0015356.

Allele frequency attached by ClinVar (database versions not stated): ExAC 0.00001; gnomAD exomes 0.00001; gnomAD 0.00002; TOPMed 0.00002.
gnomAD v4.1: 51 of 1,613,298 alleles (0.0032%); highest among the groups gnomAD compares: Non-Finnish European, 0.0039%; no homozygotes.

Submissions (3):

Myriad Genetics, Inc.
Classification: Benign for Rhabdoid tumor predisposition syndrome 2. Last evaluated: 2026-07-15. Review status: criteria provided, single submitter. Criteria: Myriad Autosomal Dominant, Autosomal Recessive and X-Linked Classification Criteria (2023). Collection method: clinical testing. Allele origin: unknown.
Comment: This variant is considered benign. This variant is a silent/synonymous amino acid change and it is not expected to impact splicing.

Labcorp Genetics (formerly Invitae), Labcorp
Classification: Likely benign for Rhabdoid tumor predisposition syndrome 2. Last evaluated: 2026-01-25. Review status: criteria provided, single submitter. Criteria: Invitae Variant Classification Sherloc (09022015). Collection method: clinical testing. Allele origin: germline.

Ambry Genetics
Classification: Likely benign for Hereditary cancer-predisposing syndrome. Last evaluated: 2015-08-15. Review status: criteria provided, single submitter. Criteria: Ambry Variant Classification Scheme 2023. Collection method: clinical testing. Allele origin: germline.

NM_003072.5(SMARCA4):c.3717C>T (p.Ser1239=)

Gene: SMARCA4 (SWI/SNF related BAF chromatin remodeling complex subunit ATPase 4; plus strand). Cytogenetic location: 19p13.2.
Variant type: single nucleotide variant.
Coding change: c.3717C>T on transcript NM_003072.5 (MANE Select); coding-DNA position 3717, C replaced by T.
Protein change: p.Ser1239=; no amino-acid change (serine 1239 retained).
Molecular consequence: synonymous variant. On other transcripts: non-coding transcript variant (1).
Genome position (GRCh38, 1-based): chr19:11,033,460, C>T. VCF-style: chr19-11033460-C-T. GRCh37 (hg19) VCF-style: chr19-11144136-C-T.
Other names: c.3717C>T, p.Ser1239= (NM_001128844.3, NM_001128845.2, NM_001128846.2 and 5 more transcripts).
Identifiers: ClinVar variation 415063 (VCV000415063.16), dbSNP rs746733739, ClinGen allele CA9204493.
Genomic context (GRCh38, chr19:11,033,460, plus strand): 5'-GTACAAGCTCAACGTGGACCAGAAGGTGATCCAGGCCGGCATGTTCGACCAGAAGTCCTC[C>T]AGCCATGAGCGGCGCGCCTTCCTGCAGGCCATCCTGGAGCACGAGGAGCAGGATGAGGTG-3'
Protein context (NP_003063.2, residues 1229-1249): IQAGMFDQKS[Ser1239=]SHERRAFLQA